The following is an entry in ClinVar:

ClinVar aggregate classification (germline): Uncertain significance. Review status: criteria provided, multiple submitters, no conflicts (2 of 4 stars). 3 submissions from 3 submitters: Uncertain significance (3). Last evaluated 2025-01-27.

Conditions:
Inborn genetic diseases. Identifiers: MedGen C0950123, MeSH D030342.

Allele frequency attached by ClinVar (database versions not stated): gnomAD exomes 0.00006; ExAC 0.00011; gnomAD 0.00021; ESP Exome Variant Server 0.00023; TOPMed 0.00029.

Submissions (3):

Ambry Genetics
Classification: Uncertain significance for Inborn genetic diseases. Last evaluated: 2025-01-27. Review status: criteria provided, single submitter. Criteria: Ambry Variant Classification Scheme 2023. Collection method: clinical testing. Allele origin: germline.

Labcorp Genetics (formerly Invitae), Labcorp
Classification: Uncertain significance. Last evaluated: 2024-05-04. Review status: criteria provided, single submitter. Criteria: Invitae Variant Classification Sherloc (09022015). Collection method: clinical testing. Allele origin: germline.
Comment: This sequence change replaces valine, which is neutral and non-polar, with methionine, which is neutral and non-polar, at codon 240 of the TOE1 protein (p.Val240Met). This variant is present in population databases (rs137896624, gnomAD 0.07%). This variant has not been reported in the literature in individuals affected with TOE1-related conditions. ClinVar contains an entry for this variant (Variation ID: 2155133). Advanced modeling of protein sequence and biophysical properties (such as structural, functional, and spatial information, amino acid conservation, physicochemical variation, residue mobility, and thermodynamic stability) performed at Invitae indicates that this missense variant is not expected to disrupt TOE1 protein function with a negative predictive value of 80%. In summary, the available evidence is currently insufficient to determine the role of this variant in disease. Therefore, it has been classified as a Variant of Uncertain Significance.

GeneDx
Classification: Uncertain significance. Last evaluated: 2024-04-29. Review status: criteria provided, single submitter. Criteria: GeneDx Variant Classification Process June 2021. Collection method: clinical testing. Allele origin: germline. Affected: yes.
Comment: In silico analysis indicates that this missense variant does not alter protein structure/function; Has not been previously published as pathogenic or benign to our knowledge

NM_025077.4(TOE1):c.718G>A (p.Val240Met)

Gene: TOE1 (target of EGR1, exonuclease; plus strand). Cytogenetic location: 1p34.1.
Variant type: single nucleotide variant.
Coding change: c.718G>A on transcript NM_025077.4 (MANE Select); coding-DNA position 718, G replaced by A.
Protein change: p.Val240Met; replaces valine 240 with methionine.
Molecular consequence: missense variant.
Genome position (GRCh38, 1-based): chr1:45,342,609, G>A. VCF-style: chr1-45342609-G-A. GRCh37 (hg19) VCF-style: chr1-45808281-G-A.
Other names: c.718G>A (NM_025077.3); short protein forms V240M.
Identifiers: ClinVar variation 2155133 (VCV002155133.5), dbSNP rs137896624, ClinGen allele CA826634.
Genomic context (GRCh38, chr1:45,342,609, plus strand): 5'-GAGATGTTCCCAGCAGGCATTTATGACACCAAATATGCTGCTGAGTTTCATGCCCGTTTC[G>A]TGGCCTCCTACTTAGAATATGCCTTCCGGAAATGGTGAGGAAATGGTTGAGGGAAAGGGG-3'
Protein context (NP_079353.3, residues 230-250): KYAAEFHARF[Val240Met]ASYLEYAFRK